The following is an entry in ClinVar:

ClinVar aggregate classification (germline): Uncertain significance. Review status: criteria provided, multiple submitters, no conflicts (2 of 4 stars). 4 submissions from 4 submitters: Uncertain significance (4). Last evaluated 2026-09-23.

Conditions:
Inborn genetic diseases. Identifiers: MedGen C0950123, MeSH D030342.
PDE6C-related disorder. Also called: PDE6C-related condition.

Allele frequency attached by ClinVar (database versions not stated): ExAC 0.00003; gnomAD exomes 0.00003 and 0.00004; TOPMed 0.00013; gnomAD 0.00014; 1000 Genomes Project 30x 0.00016; 1000 Genomes Project 0.00020; ESP Exome Variant Server 0.00023.
gnomAD v4.1: 77 of 1,612,284 alleles (0.0048%); highest among the groups gnomAD compares: African/African-American, 0.028%; no homozygotes.

Submissions (4):

PreventionGenetics, part of Exact Sciences
Classification: Uncertain significance for PDE6C-related condition. Last evaluated: 2026-09-23. Review status: criteria provided, single submitter. Criteria: ACMG Guidelines, 2015. Collection method: clinical testing. Allele origin: germline.
Comment: The PDE6C c.791C>T variant is predicted to result in the amino acid substitution p.Ala264Val. To our knowledge, this variant has not been reported in the literature. This variant is reported in 0.031% of alleles in individuals of African descent in gnomAD. At this time, the clinical significance of this variant is uncertain due to the absence of conclusive functional and genetic evidence.

Ambry Genetics
Classification: Uncertain significance for Inborn genetic diseases. Last evaluated: 2025-05-14. Review status: criteria provided, single submitter. Criteria: Ambry Variant Classification Scheme 2023. Collection method: clinical testing. Allele origin: germline.

Blueprint Genetics
Classification: Uncertain significance. Last evaluated: 2024-06-14. Review status: criteria provided, single submitter. Criteria: ACMG Guidelines, 2015. Collection method: clinical testing. Allele origin: germline.

Labcorp Genetics (formerly Invitae), Labcorp
Classification: Uncertain significance. Last evaluated: 2022-10-04. Review status: criteria provided, single submitter. Criteria: Invitae Variant Classification Sherloc (09022015). Collection method: clinical testing. Allele origin: germline.
Comment: This sequence change replaces alanine, which is neutral and non-polar, with valine, which is neutral and non-polar, at codon 264 of the PDE6C protein (p.Ala264Val). This variant is present in population databases (rs143673530, gnomAD 0.03%). This variant has not been reported in the literature in individuals affected with PDE6C-related conditions. ClinVar contains an entry for this variant (Variation ID: 1002667). Advanced modeling of protein sequence and biophysical properties (such as structural, functional, and spatial information, amino acid conservation, physicochemical variation, residue mobility, and thermodynamic stability) performed at Invitae indicates that this missense variant is not expected to disrupt PDE6C protein function. In summary, the available evidence is currently insufficient to determine the role of this variant in disease. Therefore, it has been classified as a Variant of Uncertain Significance.

NM_006204.4(PDE6C):c.791C>T (p.Ala264Val)

Gene: PDE6C (phosphodiesterase 6C; plus strand). Cytogenetic location: 10q23.33.
Variant type: single nucleotide variant.
Coding change: c.791C>T on transcript NM_006204.4 (MANE Select); coding-DNA position 791, C replaced by T.
Protein change: p.Ala264Val; replaces alanine 264 with valine.
Molecular consequence: missense variant.
Genome position (GRCh38, 1-based): chr10:93,621,999, C>T. VCF-style: chr10-93621999-C-T. GRCh37 (hg19) VCF-style: chr10-95381756-C-T.
Other names: c.791C>T (NM_006204.3); short protein forms A264V.
Identifiers: ClinVar variation 1002667 (VCV001002667.9), dbSNP rs143673530, ClinGen allele CA5609940.